The following is an entry in ClinVar:

NM_001042492.3(NF1):c.99A>G (p.Lys33=)

Gene: NF1 (neurofibromin 1; plus strand). Cytogenetic location: 17q11.2.
Variant type: single nucleotide variant.
Coding change: c.99A>G on transcript NM_001042492.3 (MANE Select); coding-DNA position 99, A replaced by G.
Protein change: p.Lys33=; no amino-acid change (lysine 33 retained).
Molecular consequence: synonymous variant.
Genome position (GRCh38, 1-based): chr17:31,156,021, A>G. VCF-style: chr17-31156021-A-G. GRCh37 (hg19) VCF-style: chr17-29483039-A-G.
Other names: c.99A>G, p.Lys33= (NM_000267.4, NM_001128147.3).
Identifiers: ClinVar variation 186861 (VCV000186861.13), dbSNP rs786203280, ClinGen allele CA196070.

ClinVar aggregate classification (germline): Conflicting classifications of pathogenicity. Review status: criteria provided, conflicting classifications (1 of 4 stars). 5 submissions from 4 submitters: Pathogenic (1); Likely pathogenic (2); Uncertain significance (2). Last evaluated 2025-10-23.

Conditions:
Hereditary cancer-predisposing syndrome. Also called: Hereditary Cancer Syndrome; Neoplastic Syndromes, Hereditary; Tumor predisposition; Hereditary neoplastic syndrome. Identifiers: Orphanet 140162, MedGen C0027672, MeSH D009386, MONDO:0015356.
Cardiovascular phenotype. Identifiers: MedGen CN230736.
Neurofibromatosis, type 1 (NF1). Also called: NEUROFIBROMATOSIS, TYPE I, SOMATIC; VON RECKLINGHAUSEN DISEASE; Peripheral type neurofibromatosis; Neurofibromatosis, type I. Identifiers: Orphanet 636, MedGen C0027831, MONDO:0018975, OMIM 162200. Disease mechanism: loss of function.

Submissions (5):

Quest Diagnostics Nichols Institute San Juan Capistrano
Classification: Likely pathogenic. Last evaluated: 2025-10-23. Review status: criteria provided, single submitter. Criteria: Quest Diagnostics criteria. Collection method: clinical testing. Allele origin: unknown.
Comment: The NF1 c.99A>G (p.Lys33=) synonymous variant has been reported in the published literature in individuals with neurofibromatosis 1 (NF1) (PMID: 26740943 (2015), 31766501 (2019)). External correspondence reports the variant in individuals neurofibromatosis 1 (NF1) (Ambry Genetics, URL:, Accession: VCV000186861.11). This variant has also been reported to result in abnormal NF1 splicing (URL:, Accession: VCV000186861.11). This variant has not been reported in large, multi-ethnic general populations (Genome Aggregation Database). Analysis of this variant using software algorithms for the prediction of the effect of nucleotide changes on NF1 mRNA splicing yielded predictions that this variant may result in the gain of a cryptic splice site without affecting the natural splice sites. Based on the available information, this variant is classified as likely pathogenic.

Labcorp Genetics (formerly Invitae), Labcorp
Classification: Pathogenic for Neurofibromatosis, type 1. Last evaluated: 2023-06-04. Review status: criteria provided, single submitter. Criteria: Invitae Variant Classification Sherloc (09022015). Collection method: clinical testing. Allele origin: germline.
Comment: For these reasons, this variant has been classified as Pathogenic. Algorithms developed to predict the effect of sequence changes on RNA splicing suggest that this variant may create or strengthen a splice site. ClinVar contains an entry for this variant (Variation ID: 186861). This variant has been observed in individual(s) with neurofibromatosis type 1 (PMID: 26740943, 31766501; Invitae). In at least one individual the variant was observed to be de novo. This variant is not present in population databases (gnomAD no frequency). This sequence change affects codon 33 of the NF1 mRNA. It is a 'silent' change, meaning that it does not change the encoded amino acid sequence of the NF1 protein.

Genome-Nilou Lab
Classification: Uncertain significance for Neurofibromatosis, type 1. Last evaluated: 2022-03-15. Review status: criteria provided, single submitter. Criteria: ACMG Guidelines, 2015. Collection method: clinical testing. Allele origin: germline. Affected: no.

Ambry Genetics
Classification: Likely pathogenic for Cardiovascular phenotype; Hereditary cancer-predisposing syndrome. Last evaluated: 2019-11-13. Review status: criteria provided, single submitter. Criteria: Ambry Variant Classification Scheme 2023. Collection method: clinical testing. Allele origin: germline.
Comment: The c.99A>G variant (also known as p.K33K), located in coding exon 2 of the NF1 gene, results from an A to G substitution at nucleotide position 99. This nucleotide substitution does not change the amino acid at codon 33. However, this change occurs in the last base pair of coding exon 2, which makes it likely to have some effect on normal mRNA splicing. This variant has been identified in multiple individuals with a clinical diagnosis or features of neurofibromatosis type 1 (Bianchessi D et al. Mol Genet Genomic Med, 2015 Nov;3:513-25; Messiaen L et al. JAMA, 2009 Nov;302:2111-8). This nucleotide position is highly conserved in available vertebrate species. Using the BDGP and ESEfinder splice site prediction tools, this alteration is predicted to create a new alternate splice donor site. RNA studies have demonstrated that this alteration results in abnormal splicing in the set of samples tested (Ambry internal data). Based on the majority of available evidence to date, this variant is likely to be pathogenic.

Ambry Genetics
Classification: Uncertain significance for Hereditary cancer-predisposing syndrome. Last evaluated: 2014-10-23. Review status: criteria provided, single submitter. Criteria: Ambry Autosomal Dominant and X-Linked criteria (10/2015). Collection method: clinical testing. Allele origin: germline. Observed: 1 variant allele.
Comment: The c.99A>G variant (also known as p.K33K) located in coding exon 2, results from an A to G substitution at nucleotide position 99 of the NF1 gene. This nucleotide substitution does not change the amino acid at codon 33. This variant was not reported in population based cohorts in the following databases: Database of Single Nucleotide Polymorphisms (dbSNP), NHLBI Exome Sequencing Project (ESP), and 1000 Genomes Project. In the ESP, this variant was not observed in 6503 samples (13006 alleles) with coverage at this position. To date, this alteration has been detected with an allele frequency of approximately 0.01% (greater than 11000 alleles tested) in our clinical cohort. This nucleotide position is highly conserved in available vertebrate species. Using the BDGP and ESEfinder splice site prediction tools, this alteration is predicted to create of a new alternate splice donor splice site; however, direct evidence is unavailable. Since supporting evidence is limited at this time, the clinical significance of c.99A>G remains unclear.

Literature cited by the submitters: PubMed 26740943 (cited by Labcorp Genetics (formerly Invitae), Labcorp); PubMed 31766501 (cited by Labcorp Genetics (formerly Invitae), Labcorp).